The following is an entry in ClinVar:

ClinVar aggregate classification (germline): Likely pathogenic (1 of 4 stars; one submission).

Conditions:
Arrhythmogenic right ventricular dysplasia 9 (ARVD9). Also called: ARRHYTHMOGENIC RIGHT VENTRICULAR DYSPLASIA, FAMILIAL, 9; Arrhythmogenic Right Ventricular Dysplasia/Cardiomyopathy 9. Identifiers: MedGen C1836906, MONDO:0012180, OMIM 609040.

Submission:

Labcorp Genetics (formerly Invitae), Labcorp
Classification: Likely pathogenic for Arrhythmogenic right ventricular dysplasia 9. Last evaluated: 2023-09-23. Review status: criteria provided, single submitter. Criteria: Invitae Variant Classification Sherloc (09022015). Collection method: clinical testing. Allele origin: germline.
Comment: In summary, the currently available evidence indicates that the variant is pathogenic, but additional data are needed to prove that conclusively. Therefore, this variant has been classified as Likely Pathogenic. A similar copy number variant has been observed in individual(s) with arrhythmogenic cardiomyopathy (PMID: 29511324). This variant results in a copy number gain of the genomic region encompassing exon(s) 8-10 of the PKP2 gene. While the exact position of this variant cannot be determined from the data, sub-genic copy number gains are generally in tandem (PMID: 25640679). This variant is predicted to be out-of-frame, and may result in an absent or disrupted protein product. Loss-of-function variants in PKP2 are known to be pathogenic (PMID: 15489853, 23911551).

Literature cited by the submitters: PubMed 29511324; PubMed 25640679; PubMed 15489853; PubMed 23911551.

NC_000012.11:g.(?_32974270)_(32977116_?)dup

Gene: PKP2 (plakophilin 2; minus strand). Cytogenetic location: 12p11.21.
Variant type: Duplication.
Identifiers: ClinVar variation 1513242 (VCV001513242.5).